The following is an entry in ClinVar:

ClinVar aggregate classification (germline): Uncertain significance (1 of 4 stars; one submission).

Conditions:
Hereditary cancer-predisposing syndrome. Also called: Neoplastic Syndromes, Hereditary; Tumor predisposition; Hereditary Cancer Syndrome; Hereditary neoplastic syndrome. Identifiers: Orphanet 140162, MedGen C0027672, MeSH D009386, MONDO:0015356.

Submission:

Ambry Genetics
Classification: Uncertain significance for Hereditary cancer-predisposing syndrome. Last evaluated: 2025-08-26. Review status: criteria provided, single submitter. Criteria: Ambry Variant Classification Scheme 2023. Collection method: clinical testing. Allele origin: germline.
Comment: The c.218A>G variant (also known as p.N73S), located in coding exon 3 of the BARD1 gene, results from an A to G substitution at nucleotide position 218. The asparagine at codon 73 is replaced by serine, an amino acid with highly similar properties. This nucleotide position is not well conserved in available vertebrate species. In silico splice site analysis predicts that this alteration will result in the creation or strengthening of a novel splice acceptor site; however, direct evidence is insufficient at this time (Ambry internal data). Based on the available evidence, the clinical significance of this variant remains unclear.

NM_000465.4(BARD1):c.218A>G (p.Asn73Ser)

Gene: BARD1 (BRCA1 associated RING domain 1; minus strand). Cytogenetic location: 2q35.
Variant type: single nucleotide variant.
Coding change: c.218A>G on transcript NM_000465.4 (MANE Select); coding-DNA position 218, A replaced by G.
Protein change: p.Asn73Ser; replaces asparagine 73 with serine.
Molecular consequence: missense variant. On other transcripts: non-coding transcript variant (1), intron variant (2).
Genome position (GRCh38, 1-based): chr2:214,792,443, T>C on the plus strand (A>G on the coding strand, the complement: BARD1 is on the minus strand). VCF-style: chr2-214792443-T-C. GRCh37 (hg19) VCF-style: chr2-215657167-T-C.
Other names: c.161A>G, p.Asn54Ser (NM_001282543.2); c.218A>G, p.Asn73Ser (NM_001282549.2); c.158+16969A>G (NM_001282548.2); c.215+4618A>G (NM_001282545.2); short protein forms N73S, N54S.
Identifiers: ClinVar variation 4196277 (VCV004196277.1).
Genomic context (GRCh38, chr2:214,792,443, plus strand): 5'-TGTATCCAGGCCGGGGTGTAACACACTGGACATCCAGTTCCAATGCAGTCACTTACACAA[T>C]TACTTTAAAATAATTAAAAAAAAAAAAAAAAGCAACCCATTCAGCAGAATTTAATTCCAA-3'
Protein context (NP_000456.2, residues 63-83): LGGCEHIFCS[Asn73Ser]CVSDCIGTGC